The following is an entry in ClinVar:

ClinVar aggregate classification (germline): Likely pathogenic (1 of 4 stars; one submission).

gnomAD v4.1: 2 of 1,613,962 alleles (0.00012%); highest among the groups gnomAD compares: Non-Finnish European, 0.00017%; no homozygotes.

Submission:

GeneDx
Classification: Likely pathogenic. Last evaluated: 2026-03-21. Review status: criteria provided, single submitter. Criteria: GeneDx Variant Classification Process June 2021. Collection method: clinical testing. Allele origin: germline.
Comment: Not observed at significant frequency in large population cohorts (gnomAD); In silico analysis supports that this missense variant has a deleterious effect on protein structure/function; This variant is associated with the following publications: (PMID: 41347065, 37162176)

NM_001429.4(EP300):c.1889A>G (p.Tyr630Cys)

Gene: EP300 (EP300 lysine acetyltransferase; plus strand). Cytogenetic location: 22q13.2.
Variant type: single nucleotide variant.
Coding change: c.1889A>G on transcript NM_001429.4 (MANE Select); coding-DNA position 1889, A replaced by G.
Protein change: p.Tyr630Cys; replaces tyrosine 630 with cysteine.
Molecular consequence: missense variant.
Genome position (GRCh38, 1-based): chr22:41,141,058, A>G. VCF-style: chr22-41141058-A-G. GRCh37 (hg19) VCF-style: chr22-41537062-A-G.
Other names: c.1889A>G, p.Tyr630Cys (NM_001362843.2); short protein forms Y630C.
Identifiers: ClinVar variation 5016831 (VCV005016831.1).
Genomic context (GRCh38, chr22:41,141,058, plus strand): 5'-GTAGTTCCTTTTTTCCTCATCTCCCTTATTTTACTTCAACAATTCAAAAGGCGGAATACT[A>G]CCACCTTCTAGCTGAGAAAATCTATAAGATCCAGAAAGAACTAGAAGAAAAACGAAGGAC-3'
Protein context (NP_001420.2, residues 620-640): YESANNRAEY[Tyr630Cys]HLLAEKIYKI